The following is an entry in ClinVar:

NM_005585.5(SMAD6):c.1006_1009del (p.Tyr336fs)

Gene: SMAD6 (SMAD family member 6; plus strand). Cytogenetic location: 15q22.31.
Variant type: Deletion.
Coding change: c.1006_1009del on transcript NM_005585.5 (MANE Select); coding-DNA positions 1006 to 1009, 4 bases deleted (TACT; older notation c.1006_1009delTACT).
Protein change: p.Tyr336fs; shifts the reading frame from tyrosine 336.
Molecular consequence: frameshift variant. On other transcripts: non-coding transcript variant (1).
Genome position (GRCh38, 1-based): chr15:66,781,050-66,781,053, TACT deleted. VCF-style (leftmost placement, unchanged base first): chr15-66781049-GTACT-G. GRCh37 (hg19) VCF-style: chr15-67073387-GTACT-G.
Other names: short protein forms Y336fs.
Identifiers: ClinVar variation 4728256 (VCV004728256.1).

ClinVar aggregate classification (germline): Uncertain significance (1 of 4 stars; one submission).

Conditions:
Aortic valve disease 2 (AOVD2). Identifiers: MedGen C3542024, MONDO:0013902, OMIM 614823.

Submission:

Labcorp Genetics (formerly Invitae), Labcorp
Classification: Uncertain significance for Aortic valve disease 2. Last evaluated: 2025-10-06. Review status: criteria provided, single submitter. Criteria: Invitae Variant Classification Sherloc (09022015). Collection method: clinical testing. Allele origin: germline.
Comment: This sequence change is expected to alter the c-terminus of the SMAD6 protein (p.Tyr336Glyfs*202). While this is not anticipated to result in nonsense mediated decay, it is expected to disrupt the last 161 amino acid(s) of the SMAD6 protein and extend the protein by 40 additional amino acid residues. This variant is not present in population databases (gnomAD no frequency). This variant has not been reported in the literature in individuals affected with SMAD6-related conditions. Experimental studies and prediction algorithms are not available or were not evaluated, and the functional significance of this variant is currently unknown. In summary, the available evidence is currently insufficient to determine the role of this variant in disease. Therefore, it has been classified as a Variant of Uncertain Significance.